The following is an entry in ClinVar:

NM_001042492.3(NF1):c.2441A>C (p.Lys814Thr)

Gene: NF1 (neurofibromin 1; plus strand). Cytogenetic location: 17q11.2.
Variant type: single nucleotide variant.
Coding change: c.2441A>C on transcript NM_001042492.3 (MANE Select); coding-DNA position 2441, A replaced by C.
Protein change: p.Lys814Thr; replaces lysine 814 with threonine.
Molecular consequence: missense variant.
Genome position (GRCh38, 1-based): chr17:31,229,056, A>C. VCF-style: chr17-31229056-A-C. GRCh37 (hg19) VCF-style: chr17-29556074-A-C.
Other names: c.2441A>C, p.Lys814Thr (NM_000267.4); short protein forms K814T.
Identifiers: ClinVar variation 481984 (VCV000481984.8), dbSNP rs1555614185, ClinGen allele CA398983894.
Genomic context (GRCh38, chr17:31,229,056, plus strand): 5'-CATGCTTTGCACAAAAATTTTGTGTTTAGGCTGCTGAAAGCCTTCACAAGACCATTGTTA[A>C]GAGGCGAATGTCCCATGTGAGTGGAGGAGGATCCATAGATTTGTCTGACACAGACTCCCT-3'
Protein context (NP_001035957.1, residues 804-824): AAESLHKTIV[Lys814Thr]RRMSHVSGGG

ClinVar aggregate classification (germline): Uncertain significance. Review status: criteria provided, multiple submitters, no conflicts (2 of 4 stars). 2 submissions from 2 submitters: Uncertain significance (2). Last evaluated 2024-04-15.

Conditions:
Cardiovascular phenotype. Identifiers: MedGen CN230736.
Hereditary cancer-predisposing syndrome. Also called: Hereditary neoplastic syndrome; Neoplastic Syndromes, Hereditary; Tumor predisposition; Hereditary Cancer Syndrome. Identifiers: Orphanet 140162, MedGen C0027672, MeSH D009386, MONDO:0015356.
Neurofibromatosis, type 1 (NF1). Also called: VON RECKLINGHAUSEN DISEASE; Peripheral type neurofibromatosis; NEUROFIBROMATOSIS, TYPE I, SOMATIC; Neurofibromatosis, type I. Identifiers: Orphanet 636, MedGen C0027831, MONDO:0018975, OMIM 162200. Disease mechanism: loss of function.

Submissions (2):

Labcorp Genetics (formerly Invitae), Labcorp
Classification: Uncertain significance for Neurofibromatosis, type 1. Last evaluated: 2024-04-15. Review status: criteria provided, single submitter. Criteria: Invitae Variant Classification Sherloc (09022015). Collection method: clinical testing. Allele origin: germline.
Comment: This sequence change replaces lysine, which is basic and polar, with threonine, which is neutral and polar, at codon 814 of the NF1 protein (p.Lys814Thr). This variant is not present in population databases (gnomAD no frequency). This variant has not been reported in the literature in individuals affected with NF1-related conditions. ClinVar contains an entry for this variant (Variation ID: 481984). Advanced modeling of protein sequence and biophysical properties (such as structural, functional, and spatial information, amino acid conservation, physicochemical variation, residue mobility, and thermodynamic stability) performed at Invitae indicates that this missense variant is not expected to disrupt NF1 protein function with a negative predictive value of 95%. In summary, the available evidence is currently insufficient to determine the role of this variant in disease. Therefore, it has been classified as a Variant of Uncertain Significance.

Ambry Genetics
Classification: Uncertain significance for Cardiovascular phenotype; Hereditary cancer-predisposing syndrome. Last evaluated: 2022-06-23. Review status: criteria provided, single submitter. Criteria: Ambry Variant Classification Scheme 2023. Collection method: clinical testing. Allele origin: germline.
Comment: The p.K814T variant (also known as c.2441A>C), located in coding exon 21 of the NF1 gene, results from an A to C substitution at nucleotide position 2441. The lysine at codon 814 is replaced by threonine, an amino acid with similar properties. This amino acid position is highly conserved in available vertebrate species. In addition, this alteration is predicted to be tolerated by in silico analysis. Since supporting evidence is limited at this time, the clinical significance of this alteration remains unclear.